The following is an entry in ClinVar:

NM_006030.4(CACNA2D2):c.3137_3138delinsAA (p.Leu1046Gln)

Genes: CACNA2D2 (calcium voltage-gated channel auxiliary subunit alpha2delta 2; minus strand), LOC127898564 (CYB561D2-LOC101928965; plus strand). Cytogenetic location: 3p21.31.
Variant type: Indel.
Coding change: c.3137_3138delinsAA on transcript NM_006030.4 (MANE Select); coding-DNA positions 3137 to 3138, TC replaced by AA.
Protein change: p.Leu1046Gln; replaces leucine 1046 with glutamine.
Molecular consequence: missense variant.
Genome position (GRCh38, 1-based): chr3:50,365,145-50,365,146, GA replaced by TT on the plus strand (TC replaced by AA on the coding strand, the reverse complement: CACNA2D2 is on the minus strand). VCF-style: chr3-50365145-GA-TT. GRCh37 (hg19) VCF-style: chr3-50402576-GA-TT.
Other names: c.3137_3138delinsAA, p.Leu1046Gln (NM_001005505.3); c.3158_3159delinsAA, p.Leu1053Gln (NM_001174051.3); c.2930_2931delinsAA, p.Leu977Gln (NM_001291101.1); short protein forms L1046Q, L977Q, L1053Q.
Identifiers: ClinVar variation 955908 (VCV000955908.8), dbSNP rs1704168084, ClinGen allele CA1139658100.

ClinVar aggregate classification (germline): Uncertain significance (1 of 4 stars; one submission).

Conditions:
Early-infantile DEE. Also called: Early infantile epileptic encephalopathy; Ohtahara syndrome; Early infantile epileptic encephalopathy with suppression bursts. Identifiers: Orphanet 1934, MedGen C0393706, MONDO:0800491.

Submission:

Labcorp Genetics (formerly Invitae), Labcorp
Classification: Uncertain significance for Early-infantile DEE. Last evaluated: 2022-07-26. Review status: criteria provided, single submitter. Criteria: Invitae Variant Classification Sherloc (09022015). Collection method: clinical testing. Allele origin: germline.
Comment: In summary, the available evidence is currently insufficient to determine the role of this variant in disease. Therefore, it has been classified as a Variant of Uncertain Significance. Algorithms developed to predict the effect of missense changes on protein structure and function are either unavailable or do not agree on the potential impact of this missense change (SIFT: "Not Available"; PolyPhen-2: "Possibly Damaging"; Align-GVGD: "Not Available"). This sequence change replaces leucine, which is neutral and non-polar, with glutamine, which is neutral and polar, at codon 1046 of the CACNA2D2 protein (p.Leu1046Gln). Information on the frequency of this variant in the gnomAD database is not available, as this variant may be reported differently in the database. This variant has not been reported in the literature in individuals affected with CACNA2D2-related conditions. ClinVar contains an entry for this variant (Variation ID: 955908).